The following is an entry in ClinVar:

ClinVar aggregate classification (germline): Pathogenic (1 of 4 stars; one submission).

Submission:

CeGaT Center for Human Genetics Tuebingen
Classification: Pathogenic. Last evaluated: 2024-07-01. Review status: criteria provided, single submitter. Criteria: CeGaT Center For Human Genetics Tuebingen Variant Classification Criteria Version 2. Collection method: clinical testing. Allele origin: germline. Affected: yes. Observed: 1 variant allele.
Comment: POMT2: PVS1, PM2, PP4

NM_013382.7(POMT2):c.1117-1G>C

Gene: POMT2 (protein O-mannosyltransferase 2; minus strand). Cytogenetic location: 14q24.3.
Variant type: single nucleotide variant.
Coding change: c.1117-1G>C on transcript NM_013382.7 (MANE Select); the canonical splice acceptor site of the intron before coding-DNA position 1117, G replaced by C.
Molecular consequence: splice acceptor variant.
Genome position (GRCh38, 1-based): chr14:77,291,381, C>G on the plus strand (G>C on the coding strand, the complement: POMT2 is on the minus strand). VCF-style: chr14-77291381-C-G. GRCh37 (hg19) VCF-style: chr14-77757724-C-G.
Identifiers: ClinVar variation 3257440 (VCV003257440.17).